The following is an entry in ClinVar:

ClinVar aggregate classification (germline): Likely pathogenic (1 of 4 stars; one submission).

Conditions:
Autosomal recessive limb-girdle muscular dystrophy type 2J (LGMDR10). Also called: Limb-girdle muscular dystrophy, type 2J; MUSCULAR DYSTROPHY, LIMB-GIRDLE, AUTOSOMAL RECESSIVE 10. Identifiers: Orphanet 140922, MedGen C1837342, MONDO:0012127, OMIM 608807.
Dilated cardiomyopathy 1G (CMD1G). Identifiers: Orphanet 154, MedGen C1858763, MONDO:0011400, OMIM 604145.

Submission:

Labcorp Genetics (formerly Invitae), Labcorp
Classification: Likely pathogenic for Dilated cardiomyopathy 1G; Autosomal recessive limb-girdle muscular dystrophy type 2J. Last evaluated: 2024-10-22. Review status: criteria provided, single submitter. Criteria: Invitae Variant Classification Sherloc (09022015). Collection method: clinical testing. Allele origin: germline.
Comment: This sequence change affects a donor splice site in intron 63 of the TTN gene. It is expected to disrupt RNA splicing and likely results in a truncated or disrupted TTN protein. This variant is not present in population databases (gnomAD no frequency). This variant has not been reported in the literature in individuals affected with TTN-related conditions. Algorithms developed to predict the effect of sequence changes on RNA splicing suggest that this variant may disrupt the consensus splice site. This variant is located in the I band of TTN (PMID: 25589632). Truncating variants in this region have been reported in individuals affected with autosomal recessive centronuclear myopathy (PMID: 23975875, internal data). Truncating variants in this region have also been identified in individuals affected with autosomal dominant dilated cardiomyopathy and/or cardio-related conditions (PMID: 27869827, 32964742, internal data). In summary, the currently available evidence indicates that the variant is pathogenic, but additional data are needed to prove that conclusively. Therefore, this variant has been classified as Likely Pathogenic.

Literature cited by the submitters: PubMed 25589632; PubMed 23975875; PubMed 27869827; PubMed 32964742.

NM_001267550.2(TTN):c.18589+1G>T

Genes: TTN (titin; minus strand), LOC126806430 (BRD4-independent group 4 enhancer GRCh37_chr2:179593794-179594993; plus strand). Cytogenetic location: 2q31.2.
Variant type: single nucleotide variant.
Coding change: c.18589+1G>T on transcript NM_001267550.2 (MANE Select); the canonical splice donor site of the intron after coding-DNA position 18589, G replaced by T.
Molecular consequence: splice donor variant. On other transcripts: intron variant (3).
Genome position (GRCh38, 1-based): chr2:178,729,663, C>A on the plus strand (G>T on the coding strand, the complement: TTN is on the minus strand). VCF-style: chr2-178729663-C-A. GRCh37 (hg19) VCF-style: chr2-179594390-C-A.
Other names: c.13282+8419G>T (NM_003319.4); c.13858+8419G>T (NM_133437.4); c.13657+8419G>T (NM_133432.3); c.14857+1G>T (NM_133378.4); c.17638+1G>T (NM_001256850.1).
Identifiers: ClinVar variation 3750557 (VCV003750557.2).